The following is an entry in ClinVar:

NM_004415.4(DSP):c.2932A>G (p.Ile978Val)

Gene: DSP (desmoplakin; plus strand). Cytogenetic location: 6p24.3.
Variant type: single nucleotide variant.
Coding change: c.2932A>G on transcript NM_004415.4 (MANE Select); coding-DNA position 2932, A replaced by G.
Protein change: p.Ile978Val; replaces isoleucine 978 with valine.
Molecular consequence: missense variant.
Genome position (GRCh38, 1-based): chr6:7,577,833, A>G. VCF-style: chr6-7577833-A-G. GRCh37 (hg19) VCF-style: chr6-7578066-A-G.
Other names: c.2932A>G (LRG_423t1); c.2932A>G, p.Ile978Val (NM_001008844.3, NM_001319034.2); short protein forms I978V.
Identifiers: ClinVar variation 465890 (VCV000465890.14), dbSNP rs780823789, ClinGen allele CA036179.

ClinVar aggregate classification (germline): Conflicting classifications of pathogenicity. Review status: criteria provided, conflicting classifications (1 of 4 stars). 5 submissions from 5 submitters: Uncertain significance (4); Likely benign (1). Last evaluated 2024-03-06.

Conditions:
Arrhythmogenic right ventricular dysplasia 8 (ARVD8). Also called: Arrhythmogenic Right Ventricular Dysplasia/Cardiomyopathy 8; ARRHYTHMOGENIC RIGHT VENTRICULAR DYSPLASIA, FAMILIAL, 8; ARRHYTHMOGENIC RIGHT VENTRICULAR CARDIOMYOPATHY 8. Identifiers: MedGen C1843896, MONDO:0011831, OMIM 607450.
Arrhythmogenic cardiomyopathy with wooly hair and keratoderma. Also called: Dilated cardiomyopathy with woolly hair and keratoderma; Arrhythmogenic cardiomyopathy with woolly hair and keratoderma; PALMOPLANTAR KERATODERMA WITH LEFT VENTRICULAR CARDIOMYOPATHY AND WOOLLY HAIR; Carvajal syndrome. Identifiers: Orphanet 65282, MedGen C1854063, MONDO:0011581, OMIM 605676.
Cardiomyopathy, dilated, with wooly hair, keratoderma, and tooth agenesis. Also called: Erythrokeratodermia-cardiomyopathy syndrome; Cardiomyopathy, dilated, with woolly hair, keratoderma, and tooth agenesis. Identifiers: Orphanet 476096, Orphanet 65282, MedGen C4014393, MONDO:0014355, OMIM 615821.
Lethal acantholytic epidermolysis bullosa (EBLA). Identifiers: Orphanet 158687, MedGen C1864826, MONDO:0012323, OMIM 609638.
Keratosis palmoplantaris striata 2. Also called: KERATODERMA, PALMOPLANTAR, STRIATE FORM II; STRIATE PALMOPLANTAR KERATODERMA II; Keratosis palmoplantaris striata II. Identifiers: MedGen C1852127, MONDO:0013034, OMIM 612908.
Cardiovascular phenotype. Identifiers: MedGen CN230736.
Cardiomyopathy (CMYO). Also called: Cardiomyopathies. Identifiers: Orphanet 167848, MedGen C0878544, MONDO:0004994, HP:0001638. Inheritance: Various modes of inheritance.

Allele frequency attached by ClinVar (database versions not stated): gnomAD exomes below 0.00001; ExAC 0.00001.
gnomAD v4.1: 3 of 1,614,206 alleles (0.00019%); highest among the groups gnomAD compares: East Asian, 0.0045%; no homozygotes.

Submissions (5):

Color Diagnostics, LLC DBA Color Health
Classification: Uncertain significance for Cardiomyopathy. Last evaluated: 2024-03-06. Review status: criteria provided, single submitter. Criteria: ACMG Guidelines, 2015. Collection method: clinical testing. Allele origin: germline.
Comment: This missense variant replaces isoleucine with valine at codon 978 of the DSP protein. Computational prediction suggests that this variant may not impact protein structure and function (internally defined REVEL score threshold <= 0.5, PMID: 27666373). To our knowledge, functional studies have not been reported for this variant. This variant has not been reported in individuals affected with cardiovascular disorders in the literature. This variant has been identified in 1/251458 chromosomes in the general population by the Genome Aggregation Database (gnomAD). The available evidence is insufficient to determine the role of this variant in disease conclusively. Therefore, this variant is classified as a Variant of Uncertain Significance.

Ambry Genetics
Classification: Uncertain significance for Cardiovascular phenotype. Last evaluated: 2022-11-27. Review status: criteria provided, single submitter. Criteria: Ambry Variant Classification Scheme 2023. Collection method: clinical testing. Allele origin: germline.
Comment: The p.I978V variant (also known as c.2932A>G), located in coding exon 21 of the DSP gene, results from an A to G substitution at nucleotide position 2932. The isoleucine at codon 978 is replaced by valine, an amino acid with highly similar properties. This amino acid position is conserved. In addition, this alteration is predicted to be tolerated by in silico analysis. Since supporting evidence is limited at this time, the clinical significance of this alteration remains unclear.

Labcorp Genetics (formerly Invitae), Labcorp
Classification: Likely benign for Arrhythmogenic cardiomyopathy with wooly hair and keratoderma; Arrhythmogenic right ventricular dysplasia 8. Last evaluated: 2022-08-09. Review status: criteria provided, single submitter. Criteria: Invitae Variant Classification Sherloc (09022015). Collection method: clinical testing. Allele origin: germline.

CHEO Genetics Diagnostic Laboratory, Children's Hospital of Eastern Ontario
Classification: Uncertain significance for Cardiomyopathy. Last evaluated: 2022-03-01. Review status: criteria provided, single submitter. Criteria: ACMG Guidelines, 2015. Collection method: clinical testing. Allele origin: germline.

Center for Genomics, Ann and Robert H. Lurie Children's Hospital of Chicago
Classification: Uncertain significance for Arrhythmogenic right ventricular dysplasia 8; Lethal acantholytic epidermolysis bullosa; Keratosis palmoplantaris striata 2; Cardiomyopathy, dilated, with wooly hair, keratoderma, and tooth agenesis; Arrhythmogenic cardiomyopathy with wooly hair and keratoderma. Review status: criteria provided, single submitter. Criteria: ACMG Guidelines, 2015. Collection method: clinical testing. Allele origin: germline.
Comment: DSP NM_004415.3 exon 21 p.Ile978Val (c.2932A>G): This variant has not been reported in the literature and is present in 0.005% (1/18394) of East Asian alleles in the Genome Aggregation Database. This variant is present in ClinVar (Variation ID:465890). This amino acid is highly conserved among primates and mammals, but the variant amino acid Valine (Val) is present in several fish species. Additional computational prediction tools are unclear. In summary, data on this variant is insufficient for disease classification. Therefore, the clinical significance of this variant is uncertain.